The following is an entry in ClinVar:

NM_000059.4(BRCA2):c.480_487delinsGGGG (p.Cys161fs)

Gene: BRCA2 (BRCA2 DNA repair associated; plus strand). Cytogenetic location: 13q13.1.
Variant type: Indel.
Coding change: c.480_487delinsGGGG on transcript NM_000059.4 (MANE Select); coding-DNA positions 480 to 487, ATGTGGGA replaced by GGGG.
Protein change: p.Cys161fs; shifts the reading frame from cysteine 161.
Molecular consequence: frameshift variant. On other transcripts: non-coding transcript variant (1).
Genome position (GRCh38, 1-based): chr13:32,326,246-32,326,253, ATGTGGGA replaced by GGGG. VCF-style: chr13-32326246-ATGTGGGA-GGGG. GRCh37 (hg19) VCF-style: chr13-32900383-ATGTGGGA-GGGG.
Other names: c.480_487delinsGGGG, p.Cys161fs (NM_001406719.1, NM_001406720.1, NM_001406721.1); c.111_118delinsGGGG, p.Cys38fs (NM_001406722.1); short protein forms C161fs, C38fs.
Identifiers: ClinVar variation 2774873 (VCV002774873.2), dbSNP rs2548515177, ClinGen allele CA2697551691.

ClinVar aggregate classification (germline): Pathogenic (1 of 4 stars; one submission).

Conditions:
Hereditary cancer-predisposing syndrome. Also called: Neoplastic Syndromes, Hereditary; Tumor predisposition; Hereditary Cancer Syndrome; Hereditary neoplastic syndrome. Identifiers: Orphanet 140162, MedGen C0027672, MeSH D009386, MONDO:0015356.

Submission:

Color Diagnostics, LLC DBA Color Health
Classification: Pathogenic for Hereditary cancer-predisposing syndrome. Last evaluated: 2022-08-29. Review status: criteria provided, single submitter. Criteria: ACMG Guidelines, 2015. Collection method: clinical testing. Allele origin: germline.
Comment: This variant substitutes 4 nucleotides in place of 8 nucleotides in exon 6 in the BRCA2 gene, creating a frameshift and premature translation stop signal. This variant is expected to result in an absent or non-functional protein product. This variant has not been reported in individuals affected with hereditary cancer in the literature. This variant has not been identified in the general population by the Genome Aggregation Database (gnomAD). Loss of BRCA2 function is a known mechanism of disease. Based on the available evidence, this variant is classified as Pathogenic.